The following is an entry in ClinVar:

NM_004656.4(BAP1):c.783+5G>A

Gene: BAP1 (BRCA1 associated deubiquitinase 1; minus strand). Cytogenetic location: 3p21.1.
Variant type: single nucleotide variant.
Coding change: c.783+5G>A on transcript NM_004656.4 (MANE Select); 5 bases into the intron after coding-DNA position 783, G replaced by A.
Molecular consequence: intron variant.
Genome position (GRCh38, 1-based): chr3:52,406,248, C>T on the plus strand (G>A on the coding strand, the complement: BAP1 is on the minus strand). VCF-style: chr3-52406248-C-T. GRCh37 (hg19) VCF-style: chr3-52440264-C-T.
Identifiers: ClinVar variation 1760807 (VCV001760807.8), dbSNP rs2153227414, ClinGen allele CA2580070301.

ClinVar aggregate classification (germline): Uncertain significance. Review status: criteria provided, multiple submitters, no conflicts (2 of 4 stars). 3 submissions from 3 submitters: Uncertain significance (3). Last evaluated 2025-10-07.

Conditions:
Hereditary cancer-predisposing syndrome. Also called: Neoplastic Syndromes, Hereditary; Tumor predisposition; Hereditary Cancer Syndrome; Hereditary neoplastic syndrome. Identifiers: Orphanet 140162, MedGen C0027672, MeSH D009386, MONDO:0015356.
BAP1-related tumor predisposition syndrome (TPDS1). Also called: BAP1 tumor predisposition syndrome; Tumor susceptibility linked to germline BAP1 mutations; COMMON Syndrome; TUMOR PREDISPOSITION SYNDROME 1. Identifiers: Orphanet 289539, MedGen C3280492, MONDO:0013692, OMIM 614327.

Allele frequency attached by ClinVar (database versions not stated): gnomAD exomes below 0.00001.

Submissions (3):

Ambry Genetics
Classification: Uncertain significance for Hereditary cancer-predisposing syndrome. Last evaluated: 2025-10-07. Review status: criteria provided, single submitter. Criteria: Ambry Variant Classification Scheme 2023. Collection method: clinical testing. Allele origin: germline.
Comment: The c.783+5G>A intronic variant results from a G to A substitution 5 nucleotides after coding exon 9 in the BAP1 gene. This nucleotide position is well conserved in available vertebrate species. In silico splice site analysis for this alteration is inconclusive. Direct evidence is insufficient at this time (Ambry internal data). Since supporting evidence is limited at this time, the clinical significance of this alteration remains unclear.

Labcorp Genetics (formerly Invitae), Labcorp
Classification: Uncertain significance for BAP1-related tumor predisposition syndrome. Last evaluated: 2024-11-27. Review status: criteria provided, single submitter. Criteria: Invitae Variant Classification Sherloc (09022015). Collection method: clinical testing. Allele origin: germline.
Comment: This sequence change falls in intron 9 of the BAP1 gene. It does not directly change the encoded amino acid sequence of the BAP1 protein. It affects a nucleotide within the consensus splice site. This variant is not present in population databases (gnomAD no frequency). This variant has not been reported in the literature in individuals affected with BAP1-related conditions. ClinVar contains an entry for this variant (Variation ID: 1760807). Variants that disrupt the consensus splice site are a relatively common cause of aberrant splicing (PMID: 17576681, 9536098). Algorithms developed to predict the effect of sequence changes on RNA splicing suggest that this variant is not likely to affect RNA splicing. In summary, the available evidence is currently insufficient to determine the role of this variant in disease. Therefore, it has been classified as a Variant of Uncertain Significance.

Color Diagnostics, LLC DBA Color Health
Classification: Uncertain significance for Hereditary cancer-predisposing syndrome. Last evaluated: 2023-04-25. Review status: criteria provided, single submitter. Criteria: ACMG Guidelines, 2015. Collection method: clinical testing. Allele origin: germline.
Comment: This variant causes a G to A nucleotide substitution at the +5 position of intron 9 of the BAP1 gene. To our knowledge, RNA studies have not been reported for this variant. This variant has not been reported in individuals affected with BAP1-related disorders in the literature. This variant has not been identified in the general population by the Genome Aggregation Database (gnomAD). The available evidence is insufficient to determine the role of this variant in disease conclusively. Therefore, this variant is classified as a Variant of Uncertain Significance.

Literature cited by the submitters: PubMed 17576681 (cited by Labcorp Genetics (formerly Invitae), Labcorp); PubMed 9536098 (cited by Labcorp Genetics (formerly Invitae), Labcorp).